The following is an entry in ClinVar:

ClinVar aggregate classification (germline): Uncertain significance (1 of 4 stars; one submission).

Conditions:
Immunodeficiency. Identifiers: MedGen C0021051, MONDO:0021094, HP:0002721.

Allele frequency attached by ClinVar (database versions not stated): TOPMed below 0.00001; gnomAD 0.00002; gnomAD exomes 0.00003; ExAC 0.00007.
gnomAD v4.1: 22 of 1,614,034 alleles (0.0014%); highest among the groups gnomAD compares: Non-Finnish European, 0.00017%; no homozygotes.

Submission:

Labcorp Genetics (formerly Invitae), Labcorp
Classification: Uncertain significance for Immunodeficiency. Last evaluated: 2023-12-12. Review status: criteria provided, single submitter. Criteria: Invitae Variant Classification Sherloc (09022015). Collection method: clinical testing. Allele origin: germline.
Comment: This sequence change replaces phenylalanine, which is neutral and non-polar, with leucine, which is neutral and non-polar, at codon 1065 of the NFAT5 protein (p.Phe1065Leu). This variant is present in population databases (rs780190833, gnomAD 0.03%). This variant has not been reported in the literature in individuals affected with NFAT5-related conditions. An algorithm developed to predict the effect of missense changes on protein structure and function (PolyPhen-2) suggests that this variant is likely to be tolerated. In summary, the available evidence is currently insufficient to determine the role of this variant in disease. Therefore, it has been classified as a Variant of Uncertain Significance.

NM_138713.4(NFAT5):c.3475T>C (p.Phe1159Leu)

Gene: NFAT5 (nuclear factor of activated T cells 5; plus strand). Cytogenetic location: 16q22.1.
Variant type: single nucleotide variant.
Coding change: c.3475T>C on transcript NM_138713.4 (MANE Select); coding-DNA position 3475, T replaced by C.
Protein change: p.Phe1159Leu; replaces phenylalanine 1159 with leucine.
Molecular consequence: missense variant.
Genome position (GRCh38, 1-based): chr16:69,693,300, T>C. VCF-style: chr16-69693300-T-C. GRCh37 (hg19) VCF-style: chr16-69727203-T-C.
Other names: c.3472T>C, p.Phe1158Leu (NM_001113178.3); c.2800T>C, p.Phe934Leu (NM_001367709.1); c.3421T>C, p.Phe1141Leu (NM_006599.4); c.3193T>C, p.Phe1065Leu (NM_138714.4, NM_173214.3, NM_173215.3); short protein forms F1065L, F934L, F1158L, F1141L, F1159L.
Identifiers: ClinVar variation 2980521 (VCV002980521.3), dbSNP rs780190833, ClinGen allele CA8135911.